The following is an entry in ClinVar:

NM_020461.4(TUBGCP6):c.3336C>T (p.Asn1112=)

Gene: TUBGCP6 (tubulin gamma complex component 6; minus strand). Cytogenetic location: 22q13.33.
Variant type: single nucleotide variant.
Coding change: c.3336C>T on transcript NM_020461.4 (MANE Select); coding-DNA position 3336, C replaced by T.
Protein change: p.Asn1112=; no amino-acid change (asparagine 1112 retained).
Molecular consequence: synonymous variant.
Genome position (GRCh38, 1-based): chr22:50,221,023, G>A on the plus strand (C>T on the coding strand, the complement: TUBGCP6 is on the minus strand). VCF-style: chr22-50221023-G-A. GRCh37 (hg19) VCF-style: chr22-50659452-G-A.
Identifiers: ClinVar variation 748864 (VCV000748864.35), dbSNP rs368660390, ClinGen allele CA10307976.

ClinVar aggregate classification (germline): Likely benign. Review status: criteria provided, multiple submitters, no conflicts (2 of 4 stars). 3 submissions from 3 submitters: Likely benign (3). Last evaluated 2025-10-29.

Allele frequency attached by ClinVar (database versions not stated): gnomAD 0.00001 and 0.00002; gnomAD exomes 0.00002 and 0.00004; ExAC 0.00006; ESP Exome Variant Server 0.00015; 1000 Genomes Project 30x 0.00031; 1000 Genomes Project 0.00040.
gnomAD v4.1: 30 of 1,605,304 alleles (0.0019%); highest among the groups gnomAD compares: Middle Eastern, 0.033%; no homozygotes.

Submissions (3):

Labcorp Genetics (formerly Invitae), Labcorp
Classification: Likely benign. Last evaluated: 2025-10-29. Review status: criteria provided, single submitter. Criteria: Invitae Variant Classification Sherloc (09022015). Collection method: clinical testing. Allele origin: germline.

CeGaT Center for Human Genetics Tuebingen
Classification: Likely benign. Last evaluated: 2022-11-01. Review status: criteria provided, single submitter. Criteria: CeGaT Center For Human Genetics Tuebingen Variant Classification Criteria Version 2. Collection method: clinical testing. Allele origin: germline. Affected: yes. Observed: 1 variant allele.
Comment: TUBGCP6: BP4, BP7

Blueprint Genetics
Classification: Likely benign. Last evaluated: 2021-02-11. Review status: criteria provided, single submitter. Criteria: ACMG Guidelines, 2015. Collection method: clinical testing. Allele origin: germline.